The following is an entry in ClinVar:

NM_015910.7(WDPCP):c.436C>G (p.Leu146Val)

Gene: WDPCP (WD repeat containing planar cell polarity effector; minus strand). Cytogenetic location: 2p15.
Variant type: single nucleotide variant.
Coding change: c.436C>G on transcript NM_015910.7 (MANE Select); coding-DNA position 436, C replaced by G.
Protein change: p.Leu146Val; replaces leucine 146 with valine.
Molecular consequence: missense variant. On other transcripts: non-coding transcript variant (2).
Genome position (GRCh38, 1-based): chr2:63,439,820, G>C on the plus strand (C>G on the coding strand, the complement: WDPCP is on the minus strand). VCF-style: chr2-63439820-G-C. GRCh37 (hg19) VCF-style: chr2-63666954-G-C.
Other names: c.364C>G, p.Leu122Val (NM_001354044.2); c.436C>G, p.Leu146Val (NM_001354045.2); short protein forms L122V, L146V.
Identifiers: ClinVar variation 4988090 (VCV004988090.1).
Genomic context (GRCh38, chr2:63,439,820, plus strand): 5'-CACTGATGGTGTCTGAGATGAGCTTCCCCACCAGGCTTCTGTCAATCACCACTTTCTCCA[G>C]CTGCGGCCCAGAAAGGCTTAGAGACACCAGCACACCTGAACCAAAAAGGAGCTAAAACCA-3'
Protein context (NP_056994.3, residues 136-156): LVSLSLSGPQ[Leu146Val]EKVVIDRSLV

ClinVar aggregate classification (germline): Uncertain significance (1 of 4 stars; one submission).

Conditions:
WDPCP-related disorder. Also called: WDPCP-related condition.

gnomAD v4.1: 1 of 1,613,196 alleles (0.000062%); highest among the groups gnomAD compares: East Asian, 0.0022%; no homozygotes.

Submission:

PreventionGenetics, part of Exact Sciences
Classification: Uncertain significance for WDPCP-related condition. Last evaluated: 2025-10-23. Review status: criteria provided, single submitter. Criteria: ACMG Guidelines, 2015. Collection method: clinical testing. Allele origin: germline.
Comment: The WDPCP c.436C>G variant is predicted to result in the amino acid substitution p.Leu146Val. To our knowledge, this variant has not been reported in the literature or in a large population database (gnomAD), indicating this variant is rare. At this time, the clinical significance of this variant is uncertain due to the absence of conclusive functional and genetic evidence.